The following is an entry in ClinVar:

NM_002907.4(RECQL):c.1355+5_1355+10del

Gene: RECQL (RecQ like helicase; minus strand). Cytogenetic location: 12p12.1.
Variant type: Deletion.
Coding change: c.1355+5_1355+10del on transcript NM_002907.4 (MANE Select); bases 5 to 10 of the intron after coding-DNA position 1355, 6 bases deleted (GCCACA; older notation c.1355+5_1355+10delGCCACA).
Molecular consequence: intron variant.
Genome position (GRCh38, 1-based): chr12:21,474,831-21,474,836, TGTGGC deleted on the plus strand (GCCACA on the coding strand, the reverse complement: RECQL is on the minus strand); deleting any 6 consecutive bases within chr12:21,474,831-21,474,837 gives the same sequence; the c. name uses the placement nearest the transcript's 3' end. VCF-style (leftmost placement, unchanged base first): chr12-21474830-ATGTGGC-A. GRCh37 (hg19) VCF-style: chr12-21627764-ATGTGGC-A.
Other names: c.1355+5_1355+10del (NM_032941.3).
Identifiers: ClinVar variation 1011933 (VCV001011933.6), dbSNP rs1943049920, ClinGen allele CA2021147630.

ClinVar aggregate classification (germline): Uncertain significance (1 of 4 stars; one submission).

Submission:

Labcorp Genetics (formerly Invitae), Labcorp
Classification: Uncertain significance. Last evaluated: 2020-09-24. Review status: criteria provided, single submitter. Criteria: Invitae Variant Classification Sherloc (09022015). Collection method: clinical testing. Allele origin: germline.
Comment: In summary, the available evidence is currently insufficient to determine the role of this variant in disease. Therefore, it has been classified as a Variant of Uncertain Significance. Nucleotide substitutions within the consensus splice site are a relatively common cause of aberrant splicing (PMID: 17576681, 9536098). Algorithms developed to predict the effect of sequence changes on RNA splicing suggest that this variant may disrupt the consensus splice site, but this prediction has not been confirmed by published transcriptional studies. This variant has not been reported in the literature in individuals with RECQL-related conditions. This variant is not present in population databases (ExAC no frequency). This sequence change falls in intron 11 of the RECQL gene. It does not directly change the encoded amino acid sequence of the RECQL protein, but it affects a nucleotide within the consensus splice site of the intron.

Literature cited by the submitters: PubMed 17576681; PubMed 9536098.